The following is an entry in ClinVar:

ClinVar aggregate classification (germline): Pathogenic. Review status: criteria provided, multiple submitters, no conflicts (2 of 4 stars). 10 submissions from 10 submitters: Pathogenic (10). Last evaluated 2025-12-14.

Conditions:
Glutaric acidemia type 2C.
Multiple acyl-CoA dehydrogenase deficiency (MADD). Also called: Glutaric aciduria, type 2; Glutaric Acidemia type 2; ETHYLMALONIC-ADIPICACIDURIA; GA II; Glutaric acidemia type II; GA 2. Identifiers: Orphanet 26791, MedGen C0268596, MONDO:0009282, OMIM 231680.

Allele frequency attached by ClinVar (database versions not stated): gnomAD 0.00003 and 0.00004; gnomAD exomes 0.00003 and 0.00010; TOPMed 0.00005; ExAC 0.00007.

Submissions (10):

Labcorp Genetics (formerly Invitae), Labcorp
Classification: Pathogenic for Multiple acyl-CoA dehydrogenase deficiency. Last evaluated: 2025-12-14. Review status: criteria provided, single submitter. Criteria: Invitae Variant Classification Sherloc (09022015). Collection method: clinical testing. Allele origin: germline.
Comment: This sequence change replaces tyrosine, which is neutral and polar, with cysteine, which is neutral and slightly polar, at codon 257 of the ETFDH protein (p.Tyr257Cys). This variant is present in population databases (rs780015493, gnomAD 0.1%). This missense change has been observed in individual(s) with glutaric acidemia type II or multiple acyl-CoA dehydrogenase deficiency (PMID: 19758981, 21347544, 23628458, 24357026, 24522293, 29336361). In at least one individual the data is consistent with being in trans (on the opposite chromosome) from a pathogenic variant. ClinVar contains an entry for this variant (Variation ID: 666174). Invitae Evidence Modeling of protein sequence and biophysical properties (such as structural, functional, and spatial information, amino acid conservation, physicochemical variation, residue mobility, and thermodynamic stability) indicates that this missense variant is not expected to disrupt ETFDH protein function with a negative predictive value of 80%. For these reasons, this variant has been classified as Pathogenic.

Natera, Inc.
Classification: Pathogenic for Glutaric acidemia type 2C. Last evaluated: 2025-11-19. Review status: criteria provided, single submitter. Criteria: Natera Variant Classification Schema (03/2026). Collection method: clinical testing. Allele origin: germline.
Comment: The c.770A>G variant in ETFDH is a missense variant predicted to cause substitution of tyrosine to cysteine at amino acid 257. This variant is rare in the general population with a frequency below the threshold expected for the associated phenotype(s). This variant has been observed in one or more individuals affected with the associated recessive disease, as either homozygous or compound heterozygous with a second variant (PMID: 24357026). Given the available evidence, this variant is classified as Pathogenic.

Revvity Omics, Revvity
Classification: Pathogenic for Multiple acyl-CoA dehydrogenase deficiency. Last evaluated: 2024-10-07. Review status: criteria provided, single submitter. Criteria: ACMG Guidelines, 2015. Collection method: clinical testing. Allele origin: germline.

Baylor Genetics
Classification: Pathogenic for Multiple acyl-CoA dehydrogenase deficiency. Last evaluated: 2024-03-28. Review status: criteria provided, single submitter. Criteria: ACMG Guidelines, 2015. Collection method: clinical testing. Allele origin: unknown.

Fulgent Genetics
Classification: Pathogenic for Multiple acyl-CoA dehydrogenase deficiency. Last evaluated: 2024-03-06. Review status: criteria provided, single submitter. Criteria: ACMG Guidelines, 2015. Collection method: clinical testing. Allele origin: germline.

Women's Health and Genetics/Laboratory Corporation of America, LabCorp
Classification: Pathogenic for Multiple acyl-CoA dehydrogenase deficiency. Last evaluated: 2024-01-15. Review status: criteria provided, single submitter. Criteria: LabCorp Variant Classification Summary - May 2015. Collection method: clinical testing. Allele origin: germline.
Comment: Variant summary: ETFDH c.770A>G (p.Tyr257Cys) results in a non-conservative amino acid change in the encoded protein sequence. Five of five in-silico tools predict a damaging effect of the variant on protein function. The variant allele was found at a frequency of 9.9e-05 in 251336 control chromosomes (gnomAD). This frequency is not significantly higher than estimated for a pathogenic variant in ETFDH causing Glutaric Aciduria, Type 2c (9.9e-05 vs 0.0011), allowing no conclusion about variant significance. c.770A>G has been reported in the literature in multiple individuals affected with multiple acyl-CoA dehydrogenase deficiency (example: Xi_2014). These data indicate that the variant is very likely to be associated with disease. To our knowledge, no experimental evidence demonstrating an impact on protein function has been reported. The following publication has been ascertained in the context of this evaluation (PMID: 24357026). ClinVar contains an entry for this variant (Variation ID: 666174). Based on the evidence outlined above, the variant was classified as pathogenic.

Neuberg Centre For Genomic Medicine, NCGM
Classification: Pathogenic for Multiple acyl-CoA dehydrogenase deficiency. Last evaluated: 2023-02-14. Review status: criteria provided, single submitter. Criteria: ACMG Guidelines, 2015. Collection method: clinical testing. Allele origin: germline. Inheritance: Autosomal recessive inheritance. Affected: yes.
Comment: The missense c.770A>G(p.Tyr257Cys) variant in ETFDH gene has been reported previously in homozygous or compound heterozygous state in individual(s) affected with glutaric acidemia type II or multiple acyl-CoA dehydrogenase deficiency (Zhao YW et al., 2018). This variant is reported with the allele frequency of 0.01% in the gnomAD Exomes and novel in 1000 Genomes. Functional studies provide supporting evidence of the variant having a damaging effect on the gene or gene product (Liang WC et al., 2017). This variant has been reported to the ClinVar database as Pathogenic by multiple submitters. The amino acid Tyr at position 257 is changed to a Cys changing protein sequence and it might alter its composition and physico-chemical properties. The amino acid change p.Tyr257Cys in ETFDH is predicted as conserved by GERP++ and PhyloP across 100 vertebrates. The variant is predicted as damaging by SIFT. For these reasons, this variant has been classified as Pathogenic. In the absence of another reportable variant, the molecular diagnosis is not confirmed.

GeneDx
Classification: Pathogenic. Last evaluated: 2022-02-02. Review status: criteria provided, single submitter. Criteria: GeneDx Variant Classification Process June 2021. Collection method: clinical testing. Allele origin: germline. Affected: yes.
Comment: In silico analysis supports that this missense variant has a deleterious effect on protein structure/function; This variant is associated with the following publications: (PMID: 34704421, 31598946, 30128629, 29731766, 34819910, 24522293, 19758981, 34426522, 31785094, 23628458, 29336361, 24357026, 32007756, 29615056, 21347544)

3billion
Classification: Pathogenic for Multiple acyl-CoA dehydrogenase deficiency. Last evaluated: 2022-01-03. Review status: criteria provided, single submitter. Criteria: ACMG Guidelines, 2015. Collection method: clinical testing. Allele origin: germline. Affected: yes. Observed: 1 heterozygote.
Comment: Same nucleotide change resulting in same amino acid change has been previously reported as pathogenic/likely pathogenic with strong evidence (ClinVar ID: VCV000666174, PMID:19758981, PS1_S). A different missense change at the same codon (p.Tyr257His) has been reported as pathogenic/likely pathogenic with strong evidence (PMID:27038534, PM5_M). The variantwas previously reported in trans with another pathogenic variant (NM_004453.4:c.250G>A) in this gene (3billion dataset, PM3_M). Functional studies provide supporting evidence of the variant having a damaging effect on the gene or gene product (PMID: 27935074) (PS3_P). In silico tool predictions suggest damaging effect of the variant on gene or gene product (REVEL: 0.812, 3CNET: 0.808, PP3_P). A missense variant is a common mechanism associated with Glutaric acidemia IIC (PP2_P). It is observed at an extremely low frequency in the gnomAD v2.1.1 dataset (total allele frequency: 0.0001, PM2_M). Therefore, this variant is classified as pathogenic according to the recommendation of ACMG/AMP guideline.

Juno Genomics, Hangzhou Juno Genomics, Inc
Classification: Pathogenic for Multiple acyl-CoA dehydrogenase deficiency. Review status: criteria provided, single submitter. Criteria: ACMG Guidelines, 2015. Collection method: clinical testing. Allele origin: germline. Affected: yes.
Comment: Absent from controls (or at extremely low frequency if recessive) in Genome Aggregation Database, Exome Sequencing Project, 1000 Genomes Project, or Exome Aggregation Consortium.;For recessive disorders, detected in trans with a pathogenic variant.;Patient's phenotype or family history is highly specific for a disease with a single genetic etiology.;Multiple lines of computational evidence support a deleterious effect on the gene or gene product (conservation, evolutionary, splicing impact, etc).

Literature cited by the submitters: PubMed 19758981 (cited by Labcorp Genetics (formerly Invitae), Labcorp and 3billion); PubMed 21347544 (cited by Labcorp Genetics (formerly Invitae), Labcorp); PubMed 23628458 (cited by Labcorp Genetics (formerly Invitae), Labcorp); PubMed 24357026 (cited by 3 submitters); PubMed 24522293 (cited by Labcorp Genetics (formerly Invitae), Labcorp); PubMed 29336361 (cited by Labcorp Genetics (formerly Invitae), Labcorp); PubMed 27038534 (cited by 3billion).

NM_004453.4(ETFDH):c.770A>G (p.Tyr257Cys)

Gene: ETFDH (electron transfer flavoprotein dehydrogenase; plus strand). Cytogenetic location: 4q32.1.
Variant type: single nucleotide variant.
Coding change: c.770A>G on transcript NM_004453.4 (MANE Select); coding-DNA position 770, A replaced by G.
Protein change: p.Tyr257Cys; replaces tyrosine 257 with cysteine.
Molecular consequence: missense variant.
Genome position (GRCh38, 1-based): chr4:158,695,582, A>G. VCF-style: chr4-158695582-A-G. GRCh37 (hg19) VCF-style: chr4-159616734-A-G.
Other names: c.770A>G (NM_004453.2); c.629A>G, p.Tyr210Cys (NM_001281737.2); c.587A>G, p.Tyr196Cys (NM_001281738.1); short protein forms Y196C, Y257C, Y210C.
Identifiers: ClinVar variation 666174 (VCV000666174.23), dbSNP rs780015493, ClinGen allele CA3122444.
Genomic context (GRCh38, chr4:158,695,582, plus strand): 5'-TACATGCTAAAGTCACAATTTTTGCAGAAGGTTGCCATGGACATCTAGCCAAGCAACTAT[A>G]TAAGAAGTTTGATTTGAGAGCAAATTGTGAACCTCAAACCTACGGGATTGGACTGAAGGA-3'
Protein context (NP_004444.2, residues 247-267): GCHGHLAKQL[Tyr257Cys]KKFDLRANCE